The following is an entry in ClinVar:

ClinVar aggregate classification (germline): Uncertain significance (1 of 4 stars; one submission).

Conditions:
Rubinstein-Taybi syndrome (RSTS). Identifiers: Orphanet 783, MedGen C0035934, MONDO:0019188.

Submission:

Labcorp Genetics (formerly Invitae), Labcorp
Classification: Uncertain significance for Rubinstein-Taybi syndrome. Last evaluated: 2023-10-22. Review status: criteria provided, single submitter. Criteria: Invitae Variant Classification Sherloc (09022015). Collection method: clinical testing. Allele origin: germline.
Comment: This sequence change affects codon 904 of the CREBBP mRNA. It is a 'silent' change, meaning that it does not change the encoded amino acid sequence of the CREBBP protein. This variant is not present in population databases (gnomAD no frequency). This variant has not been reported in the literature in individuals affected with CREBBP-related conditions. Algorithms developed to predict the effect of sequence changes on RNA splicing suggest that this variant may create or strengthen a splice site. In summary, the available evidence is currently insufficient to determine the role of this variant in disease. Therefore, it has been classified as a Variant of Uncertain Significance.

NM_004380.3(CREBBP):c.2712C>G (p.Gly904=)

Gene: CREBBP (CREB binding lysine acetyltransferase; minus strand). Cytogenetic location: 16p13.3.
Variant type: single nucleotide variant.
Coding change: c.2712C>G on transcript NM_004380.3 (MANE Select); coding-DNA position 2712, C replaced by G.
Protein change: p.Gly904=; no amino-acid change (glycine 904 retained).
Molecular consequence: synonymous variant.
Genome position (GRCh38, 1-based): chr16:3,770,738, G>C on the plus strand (C>G on the coding strand, the complement: CREBBP is on the minus strand). VCF-style: chr16-3770738-G-C. GRCh37 (hg19) VCF-style: chr16-3820739-G-C.
Other names: c.2598C>G, p.Gly866= (NM_001079846.1).
Identifiers: ClinVar variation 2770760 (VCV002770760.3), dbSNP rs2548414988, ClinGen allele CA493394934.